The following is an entry in ClinVar:

NM_004725.4(BUB3):c.220G>A (p.Gly74Arg)

Gene: BUB3 (BUB3 mitotic checkpoint protein; plus strand). Cytogenetic location: 10q26.13.
Variant type: single nucleotide variant.
Coding change: c.220G>A on transcript NM_004725.4 (MANE Select); coding-DNA position 220, G replaced by A.
Protein change: p.Gly74Arg; replaces glycine 74 with arginine.
Molecular consequence: missense variant.
Genome position (GRCh38, 1-based): chr10:123,155,682, G>A. VCF-style: chr10-123155682-G-A. GRCh37 (hg19) VCF-style: chr10-124915198-G-A.
Other names: c.220G>A, p.Gly74Arg (NM_001007793.3); short protein forms G74R.
Identifiers: ClinVar variation 2561576 (VCV002561576.2), dbSNP rs2133564877, ClinGen allele CA378625205.

ClinVar aggregate classification (germline): Uncertain significance (1 of 4 stars; one submission).

Submission:

Ambry Genetics
Classification: Uncertain significance. Last evaluated: 2023-05-23. Review status: criteria provided, single submitter. Criteria: Ambry Variant Classification Scheme 2023. Collection method: clinical testing. Allele origin: germline.
Comment: The p.G74R variant (also known as c.220G>A), located in coding exon 2 of the BUB3 gene, results from a G to A substitution at nucleotide position 220. The glycine at codon 74 is replaced by arginine, an amino acid with dissimilar properties. This amino acid position is conserved. In addition, this alteration is predicted to be deleterious by in silico analysis. Since supporting evidence is limited at this time, the clinical significance of this alteration remains unclear.